The following is an entry in ClinVar:

NM_000059.4(BRCA2):c.4849A>C (p.Ser1617Arg)

Gene: BRCA2 (BRCA2 DNA repair associated; plus strand). Cytogenetic location: 13q13.1.
Variant type: single nucleotide variant.
Coding change: c.4849A>C on transcript NM_000059.4 (MANE Select); coding-DNA position 4849, A replaced by C.
Protein change: p.Ser1617Arg; replaces serine 1617 with arginine.
Molecular consequence: missense variant.
Genome position (GRCh38, 1-based): chr13:32,339,204, A>C. VCF-style: chr13-32339204-A-C. GRCh37 (hg19) VCF-style: chr13-32913341-A-C.
Other names: short protein forms S1617R.
Identifiers: ClinVar variation 51727 (VCV000051727.26), dbSNP rs80358707, ClinGen allele CA020909.

ClinVar aggregate classification (germline): Conflicting classifications of pathogenicity. Review status: criteria provided, conflicting classifications (1 of 4 stars). 9 submissions from 9 submitters: Uncertain significance (6); Likely benign (1). 2 of the submissions do not count toward it. Last evaluated 2025-08-18.

Conditions:
Hereditary breast ovarian cancer syndrome. Also called: Hereditary breast and ovarian cancer syndrome; Hereditary breast and ovarian cancer; Hereditary breast and ovarian cancer syndrome (HBOC); Breast and ovarian cancer; Hereditary breast and/or ovarian cancer syndrome; BRCA1- and BRCA2-Associated Hereditary Breast and Ovarian Cancer. Identifiers: Orphanet 145, MedGen C0677776, MeSH D061325, MONDO:0003582. Disease mechanism: loss of function.
BRCA2-related cancer predisposition. Identifiers: MedGen CN377758, MONDO:0700269.
Hereditary cancer-predisposing syndrome. Also called: Neoplastic Syndromes, Hereditary; Tumor predisposition; Hereditary neoplastic syndrome; Hereditary Cancer Syndrome. Identifiers: Orphanet 140162, MedGen C0027672, MeSH D009386, MONDO:0015356.
Breast-ovarian cancer, familial, susceptibility to, 2 (BROVCA2). Also called: BRCA2 Hereditary Breast and Ovarian Cancer. Identifiers: Orphanet 145, MedGen C2675520, MONDO:0012933, OMIM 612555. Disease mechanism: loss of function.

Allele frequency attached by ClinVar (database versions not stated): TOPMed below 0.00001.

Submissions (9):

Labcorp Genetics (formerly Invitae), Labcorp
Classification: Uncertain significance for Hereditary breast ovarian cancer syndrome. Last evaluated: 2025-08-18. Review status: criteria provided, single submitter. Criteria: Invitae Variant Classification Sherloc (09022015). Collection method: clinical testing. Allele origin: germline.
Comment: This sequence change replaces serine, which is neutral and polar, with arginine, which is basic and polar, at codon 1617 of the BRCA2 protein (p.Ser1617Arg). This variant is not present in population databases (gnomAD no frequency). This missense change has been observed in individual(s) with BRCA2-related conditions (PMID: 10923033). ClinVar contains an entry for this variant (Variation ID: 51727). Invitae Evidence Modeling of protein sequence and biophysical properties (such as structural, functional, and spatial information, amino acid conservation, physicochemical variation, residue mobility, and thermodynamic stability) indicates that this missense variant is not expected to disrupt BRCA2 protein function with a negative predictive value of 95%. In summary, the available evidence is currently insufficient to determine the role of this variant in disease. Therefore, it has been classified as a Variant of Uncertain Significance.

Color Diagnostics, LLC DBA Color Health
Classification: Uncertain significance for Hereditary cancer-predisposing syndrome. Last evaluated: 2025-06-02. Review status: criteria provided, single submitter. Criteria: ACMG Guidelines, 2015. Collection method: clinical testing. Allele origin: germline.
Comment: This missense variant replaces serine with arginine at codon 1617 of the BRCA2 protein. Computational prediction suggests that this variant may not impact protein structure and function. To our knowledge, functional studies have not been reported for this variant. A multifactorial analysis has reported likelihood ratios based on one family for segregation, co-occurrence with a pathogenic variant and family history of 0.6773, 1.025, and 0.3997, respectively (PMID: 31131967). This variant has not been identified in the general population by the Genome Aggregation Database (gnomAD). The available evidence is insufficient to determine the role of this variant in disease conclusively. Therefore, this variant is classified as a Variant of Uncertain Significance.

Women's Health and Genetics/Laboratory Corporation of America, LabCorp
Classification: Uncertain significance. Last evaluated: 2025-04-03. Review status: criteria provided, single submitter. Criteria: LabCorp Variant Classification Summary - May 2015. Collection method: clinical testing. Allele origin: germline.
Comment: Variant summary: BRCA2 c.4849A>C (p.Ser1617Arg) results in a non-conservative amino acid change in the encoded protein sequence. Four of five in-silico tools predict a benign effect of the variant on protein function. The variant was absent in 249944 control chromosomes. The available data on variant occurrences in the general population are insufficient to allow any conclusion about variant significance. To our knowledge, no occurrence of c.4849A>C in individuals affected with Hereditary Breast And Ovarian Cancer Syndrome and no experimental evidence demonstrating its impact on protein function have been reported. ClinVar contains an entry for this variant (Variation ID: 51727). Based on the evidence outlined above, the variant was classified as uncertain significance.

Ambry Genetics
Classification: Uncertain significance for Hereditary cancer-predisposing syndrome. Last evaluated: 2024-04-29. Review status: criteria provided, single submitter. Criteria: Ambry Variant Classification Scheme 2023. Collection method: clinical testing. Allele origin: germline.
Comment: The p.S1617R variant (also known as c.4849A>C), located in coding exon 10 of the BRCA2 gene, results from an A to C substitution at nucleotide position 4849. The serine at codon 1617 is replaced by arginine, an amino acid with dissimilar properties. This amino acid position is not well conserved in available vertebrate species. In addition, this alteration is predicted to be tolerated by in silico analysis. Based on the available evidence, the clinical significance of this variant remains unclear.

All of Us Research Program, National Institutes of Health
Classification: Uncertain significance for BRCA2-related cancer predisposition. Last evaluated: 2024-03-05. Review status: criteria provided, single submitter. Criteria: ACMG Guidelines, 2015. Collection method: clinical testing. Allele origin: germline. Inheritance: Autosomal dominant inheritance. Observed: 1 variant allele, 1 heterozygote.
Comment: This missense variant replaces serine with arginine at codon 1617 of the BRCA2 protein. Computational prediction suggests that this variant may not impact protein structure and function (internally defined REVEL score threshold <= 0.5, PMID: 27666373). To our knowledge, functional studies have not been reported for this variant. This variant has not been reported in individuals affected with hereditary cancer in the literature. This variant has not been identified in the general population by the Genome Aggregation Database (gnomAD). The available evidence is insufficient to determine the role of this variant in disease conclusively. Therefore, this variant is classified as a Variant of Uncertain Significance.

This study involves interpretation of variants in research participants for the purpose of population health screening. Participant phenotype was not available at the time of variant classification. Additional details can be found in publication PMID: 35346344, PMCID: PMC8962531

University of Washington Department of Laboratory Medicine, University of Washington
Classification: Likely benign for Hereditary cancer-predisposing syndrome. Last evaluated: 2023-03-23. Review status: criteria provided, single submitter. Criteria: Dines et al. (Genet Med. 2020). Collection method: curation. Allele origin: germline.
Comment: Missense variant in a coldspot region where missense variants are very unlikely to be pathogenic (PMID:31911673).

BRCA2 exon 11 coldspot. Reclassification based on statistical prior probability.

GeneDx
Classification: Uncertain significance. Last evaluated: 2022-08-18. Review status: criteria provided, single submitter. Criteria: GeneDx Variant Classification Process June 2021. Collection method: clinical testing. Allele origin: germline. Affected: yes.
Comment: Not observed at significant frequency in large population cohorts (gnomAD); In silico analysis supports that this missense variant has a deleterious effect on protein structure/function; Also known as 5077A>C; This variant is associated with the following publications: (PMID: 29884841, 31131967, 32377563, 10923033)

Counsyl
Classification: Uncertain significance for Breast-ovarian cancer, familial, susceptibility to, 2. Last evaluated: 2018-02-23. Review status: no assertion criteria provided. Collection method: clinical testing. Allele origin: unknown. Not counted in ClinVar's aggregate classification.

Breast Cancer Information Core (BIC) (BRCA2)
Classification: Uncertain significance for Breast-ovarian cancer, familial 2. Last evaluated: 2004-02-20. Review status: no assertion criteria provided. Collection method: clinical testing. Allele origin: germline. Affected: yes. Observed: 1 variant allele. Not counted in ClinVar's aggregate classification.

Literature cited by the submitters: PubMed 10923033 (cited by Labcorp Genetics (formerly Invitae), Labcorp); PubMed 31131967 (cited by Color Diagnostics, LLC DBA Color Health).